The following is an entry in ClinVar:

ClinVar aggregate classification (germline): Likely benign (1 of 4 stars; one submission).

gnomAD v4.1: 1 of 1,614,110 alleles (0.000062%); highest among the groups gnomAD compares: East Asian, 0.0022%; no homozygotes.

Submission:

CeGaT Center for Human Genetics Tuebingen
Classification: Likely benign. Last evaluated: 2025-06-01. Review status: criteria provided, single submitter. Criteria: CeGaT Center For Human Genetics Tuebingen Variant Classification Criteria Version 2. Collection method: clinical testing. Allele origin: germline. Affected: yes. Observed: 1 variant allele.
Comment: DDB1: BP4, BP7

NM_001923.5(DDB1):c.2217C>T (p.Arg739=)

Gene: DDB1 (damage specific DNA binding protein 1; minus strand). Cytogenetic location: 11q12.2.
Variant type: single nucleotide variant.
Coding change: c.2217C>T on transcript NM_001923.5 (MANE Select); coding-DNA position 2217, C replaced by T.
Protein change: p.Arg739=; no amino-acid change (arginine 739 retained).
Molecular consequence: synonymous variant.
Genome position (GRCh38, 1-based): chr11:61,311,844, G>A on the plus strand (C>T on the coding strand, the complement: DDB1 is on the minus strand). VCF-style: chr11-61311844-G-A. GRCh37 (hg19) VCF-style: chr11-61079316-G-A.
Identifiers: ClinVar variation 4085139 (VCV004085139.8).
Genomic context (GRCh38, chr11:61,311,844, plus strand): 5'-CTGGGTGCTAGCGCTGGGCCTCAAGGCTGTCGTGCCCCCACTCGTGTCTTGGACTTCAAT[G>A]CGGCTGGAGAGGACCCCGAAACACTGGGACACTTCCTGGTAGCAGATCTTCCTGCAGAAC-3'
Protein context (NP_001914.3, residues 729-749): VSQCFGVLSS[Arg739=]IEVQDTSGGT